The following is an entry in ClinVar:

ClinVar aggregate classification (germline): Conflicting classifications of pathogenicity. Review status: criteria provided, conflicting classifications (1 of 4 stars). 5 submissions from 5 submitters: Uncertain significance (1); Benign (1); Likely benign (3). Last evaluated 2025-08-01.

Conditions:
Inborn genetic diseases. Identifiers: MedGen C0950123, MeSH D030342.
Intellectual disability. Also called: intellectual disabilities; Intellectual developmental disorder; Intellectual functioning disability. Identifiers: MedGen C3714756, MeSH D008607, MONDO:0001071, HP:0001249.

Allele frequency attached by ClinVar (database versions not stated): TOPMed 0.00006; gnomAD 0.00008.

Submissions (5):

CeGaT Center for Human Genetics Tuebingen
Classification: Likely benign. Last evaluated: 2025-08-01. Review status: criteria provided, single submitter. Criteria: CeGaT Center For Human Genetics Tuebingen Variant Classification Criteria Version 2. Collection method: clinical testing. Allele origin: germline. Affected: yes. Observed: 1 variant allele.
Comment: IRF2BPL: BS4

Laboratory of Genetics, Children's Clinical University Hospital Latvia
Classification: Likely benign. Last evaluated: 2025-02-16. Review status: criteria provided, single submitter. Criteria: ACMG Guidelines, 2015. Collection method: clinical testing. Allele origin: germline. Affected: yes.

Blueprint Genetics
Classification: Likely benign. Last evaluated: 2024-11-14. Review status: criteria provided, single submitter. Criteria: ACMG Guidelines, 2015. Collection method: clinical testing. Allele origin: germline.

Ambry Genetics
Classification: Uncertain significance for Inborn genetic diseases. Last evaluated: 2021-08-16. Review status: criteria provided, single submitter. Criteria: Ambry Variant Classification Scheme 2023. Collection method: clinical testing. Allele origin: germline.

Cambridge Genomics Laboratory, East Genomic Laboratory Hub, NHS Genomic Medicine Service
Classification: Benign for Intellectual disability. Last evaluated: 2019-11-21. Review status: criteria provided, single submitter. Criteria: ACGS Best Practice Guidelines for Variant Classification in Rare Disease 2020. Collection method: clinical testing. Allele origin: germline. Affected: yes. Observed: 1 variant allele.

NM_024496.4(IRF2BPL):c.650A>G (p.Asn217Ser)

Gene: IRF2BPL (interferon regulatory factor 2 binding protein like; minus strand). Cytogenetic location: 14q24.3.
Variant type: single nucleotide variant.
Coding change: c.650A>G on transcript NM_024496.4 (MANE Select); coding-DNA position 650, A replaced by G.
Protein change: p.Asn217Ser; replaces asparagine 217 with serine.
Molecular consequence: missense variant.
Genome position (GRCh38, 1-based): chr14:77,027,143, T>C on the plus strand (A>G on the coding strand, the complement: IRF2BPL is on the minus strand). VCF-style: chr14-77027143-T-C. GRCh37 (hg19) VCF-style: chr14-77493486-T-C.
Other names: short protein forms N217S.
Identifiers: ClinVar variation 2395965 (VCV002395965.13), dbSNP rs765748046, ClinGen allele CA7283883.